The following is an entry in ClinVar:

NM_001363.5(DKC1):c.1431G>A (p.Lys477=)

Gene: DKC1 (dyskerin pseudouridine synthase 1; plus strand). Cytogenetic location: Xq28.
Variant type: single nucleotide variant.
Coding change: c.1431G>A on transcript NM_001363.5 (MANE Select); coding-DNA position 1431, G replaced by A.
Protein change: p.Lys477=; no amino-acid change (lysine 477 retained).
Molecular consequence: synonymous variant. On other transcripts: 3 prime UTR variant (1), non-coding transcript variant (3).
Genome position (GRCh38, 1-based): chrX:154,776,279, G>A. VCF-style: chrX-154776279-G-A. GRCh37 (hg19) VCF-style: chrX-154004554-G-A.
Other names: c.1416G>A, p.Lys472= (NM_001142463.3); c.*657G>A (NM_001288747.2).
Identifiers: ClinVar variation 696852 (VCV000696852.19), dbSNP rs3752356, ClinGen allele CA10567275.

ClinVar aggregate classification (germline): Benign/Likely benign. Review status: criteria provided, multiple submitters, no conflicts (2 of 4 stars). 6 submissions from 6 submitters: Benign (4); Likely benign (1). 1 of the submissions does not count toward it. Last evaluated 2026-01-24.

Conditions:
DKC1-related disorder. Also called: DKC1-related condition. Identifiers: MedGen CN294808, MONDO:0100152.
Dyskeratosis congenita. Identifiers: Orphanet 1775, MedGen C0265965, MONDO:0015780.

Allele frequency attached by ClinVar (database versions not stated): gnomAD 0.00013 and 0.00031; TOPMed 0.00030; gnomAD exomes 0.00062 and 0.00074; ExAC 0.00090; 1000 Genomes Project 30x 0.00250; 1000 Genomes Project 0.00318.
gnomAD v4.1: 814 of 1,207,553 alleles (0.067%); highest among the groups gnomAD compares: East Asian, 2.3%; 14 homozygotes.

Submissions (6):

Labcorp Genetics (formerly Invitae), Labcorp
Classification: Benign for Dyskeratosis congenita. Last evaluated: 2026-01-24. Review status: criteria provided, single submitter. Criteria: Invitae Variant Classification Sherloc (09022015). Collection method: clinical testing. Allele origin: germline.

ARUP Laboratories, Molecular Genetics and Genomics, ARUP Laboratories
Classification: Benign. Last evaluated: 2024-06-19. Review status: criteria provided, single submitter. Criteria: ARUP Molecular Germline Variant Investigation Process 2024. Collection method: clinical testing. Allele origin: germline.

Blueprint Genetics
Classification: Likely benign. Last evaluated: 2024-06-14. Review status: criteria provided, single submitter. Criteria: ACMG Guidelines, 2015. Collection method: clinical testing. Allele origin: germline.

Genetic Services Laboratory, University of Chicago
Classification: Benign. Last evaluated: 2017-12-28. Review status: criteria provided, single submitter. Criteria: ACMG Guidelines, 2015. Collection method: clinical testing. Allele origin: germline. Affected: no.

Breakthrough Genomics
Classification: Benign. Review status: criteria provided, single submitter. Criteria: ACMG Guidelines, 2015. Collection method: not provided. Allele origin: germline. Inheritance: X-linked inheritance. Affected: yes.

PreventionGenetics, part of Exact Sciences
Classification: Benign for DKC1-related condition. Last evaluated: 2019-06-20. Review status: no assertion criteria provided. Collection method: clinical testing. Allele origin: germline. Not counted in ClinVar's aggregate classification.
Comment: This variant is classified as benign based on ACMG/AMP sequence variant interpretation guidelines (Richards et al. 2015 PMID: 25741868, with internal and published modifications).